The following is an entry in ClinVar:

ClinVar aggregate classification (germline): Pathogenic (1 of 4 stars; one submission).

Conditions:
Tuberous sclerosis 2 (TSC2). Identifiers: Orphanet 805, MedGen C1860707, MONDO:0013199, OMIM 613254.

Submission:

Labcorp Genetics (formerly Invitae), Labcorp
Classification: Pathogenic for Tuberous sclerosis 2. Last evaluated: 2022-09-26. Review status: criteria provided, single submitter. Criteria: Invitae Variant Classification Sherloc (09022015). Collection method: clinical testing. Allele origin: germline.
Comment: This sequence change creates a premature translational stop signal (p.Glu158*) in the TSC2 gene. It is expected to result in an absent or disrupted protein product. Loss-of-function variants in TSC2 are known to be pathogenic (PMID: 10205261, 17304050). This variant is not present in population databases (gnomAD no frequency). This variant has not been reported in the literature in individuals affected with TSC2-related conditions. Algorithms developed to predict the effect of sequence changes on RNA splicing suggest that this variant may create or strengthen a splice site. For these reasons, this variant has been classified as Pathogenic.

Literature cited by the submitters: PubMed 10205261; PubMed 17304050.

NM_000548.5(TSC2):c.472G>T (p.Glu158Ter)

Gene: TSC2 (TSC complex subunit 2; plus strand). Cytogenetic location: 16p13.3.
Variant type: single nucleotide variant.
Coding change: c.472G>T on transcript NM_000548.5 (MANE Select); coding-DNA position 472, G replaced by T.
Protein change: p.Glu158Ter; replaces glutamic acid 158 with a stop codon.
Molecular consequence: nonsense. On other transcripts: missense variant (1), intron variant (1).
Genome position (GRCh38, 1-based): chr16:2,054,431, G>T. VCF-style: chr16-2054431-G-T. GRCh37 (hg19) VCF-style: chr16-2104432-G-T.
Other names: c.472G>T, p.Glu158Ter (NM_001077183.3, NM_001114382.3, NM_001363528.2 and 8 more transcripts); c.361G>T, p.Glu121Ter (NM_001318827.2, NM_001406670.1, NM_001406678.1); c.325G>T, p.Glu109Ter (NM_001318829.2, NM_001406675.1, NM_001406676.1 and 1 more transcripts); c.505G>T, p.Glu169Ter (NM_001318832.2); c.562G>T, p.Glu188Ter (NM_001406667.1, NM_001406668.1); c.415G>T, p.Glu139Ter (NM_001406677.1); c.-345G>T (NM_001406680.1, NM_001406683.1, NM_001406687.1); c.27G>T, p.Arg9Ser (NM_001406681.1); and 6 more; short protein forms E109*, R9S, E169*, E188*, E121*, E139*, E158*.
Identifiers: ClinVar variation 2105554 (VCV002105554.4), dbSNP rs1596265482, ClinGen allele CA394308552.